The following is an entry in ClinVar:

ClinVar aggregate classification (germline): Benign. Review status: criteria provided, multiple submitters, no conflicts (2 of 4 stars). 2 submissions from 2 submitters: Benign (2). Last evaluated 2018-01-13.

Conditions:
Hereditary spastic paraplegia 6 (SPG6). Also called: SPASTIC PARAPLEGIA 6, AUTOSOMAL DOMINANT. Identifiers: Orphanet 100988, MedGen C1838192, MONDO:0010878, OMIM 600363.

Allele frequency attached by ClinVar (database versions not stated): gnomAD 0.64186 and 0.65255; TOPMed 0.65888; 1000 Genomes Project 0.68790; 1000 Genomes Project 30x 0.69004; gnomAD exomes 0.77778.
gnomAD v4.1: 99,400 of 152,038 alleles (65%); highest among the groups gnomAD compares: South Asian, 84%; 33,723 homozygotes.

Submissions (2):

Illumina Laboratory Services, Illumina
Classification: Benign for Hereditary spastic paraplegia 6. Last evaluated: 2018-01-13. Review status: criteria provided, single submitter. Criteria: ICSL Variant Classification Criteria 13 December 2019. Collection method: clinical testing. Allele origin: germline.
Comment: This variant was observed in the ICSL laboratory as part of a predisposition screen in an ostensibly healthy population. It had not been previously curated by ICSL or reported in the Human Gene Mutation Database (HGMD: prior to June 1st, 2018), and was therefore a candidate for classification through an automated scoring system. Utilizing variant allele frequency, disease prevalence and penetrance estimates, and inheritance mode, an automated score was calculated to assess if this variant is too frequent to cause the disease. Based on the score and internal cut-off values, a variant classified as benign is not then subjected to further curation. The score for this variant resulted in a classification of benign for this disease.

Breakthrough Genomics
Classification: Benign. Review status: criteria provided, single submitter. Criteria: ACMG Guidelines, 2015. Collection method: not provided. Allele origin: germline. Inheritance: Autosomal dominant inheritance. Affected: yes.

NM_144599.5(NIPA1):c.*972C>T

Gene: NIPA1 (NIPA magnesium transporter 1; plus strand). Cytogenetic location: 15q11.2.
Variant type: single nucleotide variant.
Coding change: c.*972C>T on transcript NM_144599.5 (MANE Select); 972 bases downstream of the stop codon, C replaced by T.
Molecular consequence: 3 prime UTR variant.
Genome position (GRCh38, 1-based): chr15:22,825,211, C>T. VCF-style: chr15-22825211-C-T. GRCh37 (hg19) VCF-style: chr15-23047857-G-A.
Other names: c.*972C>T (NM_001142275.1).
Identifiers: ClinVar variation 315410 (VCV000315410.6), dbSNP rs8025849, ClinGen allele CA10645526.